The following is an entry in ClinVar:

ClinVar aggregate classification (germline): Pathogenic (1 of 4 stars; one submission).

Submission:

Labcorp Genetics (formerly Invitae), Labcorp
Classification: Pathogenic. Last evaluated: 2026-01-27. Review status: criteria provided, single submitter. Criteria: Invitae Variant Classification Sherloc (09022015). Collection method: clinical testing. Allele origin: germline.
Comment: This sequence change creates a premature translational stop signal (p.Leu838Argfs*7) in the LRPPRC gene. It is expected to result in an absent or disrupted protein product. Loss-of-function variants in LRPPRC are known to be pathogenic (PMID: 26510951). This variant is present in population databases (no rsID available, gnomAD 0.007%). This variant has not been reported in the literature in individuals affected with LRPPRC-related conditions. For these reasons, this variant has been classified as Pathogenic.

Literature cited by the submitters: PubMed 26510951.

NM_133259.4(LRPPRC):c.2509_2512dup (p.Leu838fs)

Gene: LRPPRC (leucine rich pentatricopeptide repeat containing; minus strand). Cytogenetic location: 2p21.
Variant type: Duplication.
Coding change: c.2509_2512dup on transcript NM_133259.4 (MANE Select); coding-DNA positions 2509 to 2512, 4 bases duplicated (GACC; older notation c.2509_2512dupGACC).
Protein change: p.Leu838fs; shifts the reading frame from leucine 838.
Molecular consequence: frameshift variant.
Genome position (GRCh38, 1-based): chr2:43,934,871-43,934,874, GGTC duplicated on the plus strand (GACC on the coding strand, the reverse complement: LRPPRC is on the minus strand); duplicating any 4 consecutive bases within chr2:43,934,871-43,934,875 gives the same sequence; the c. name uses the placement nearest the transcript's 3' end. VCF-style (leftmost placement, unchanged base first): chr2-43934870-A-AGGTC. GRCh37 (hg19) VCF-style: chr2-44162009-A-AGGTC.
Other names: short protein forms L838fs.
Identifiers: ClinVar variation 4764249 (VCV004764249.1).